The following is an entry in ClinVar:

NM_001040108.2(MLH3):c.3379+4A>C

Gene: MLH3 (mutL homolog 3; minus strand). Cytogenetic location: 14q24.3.
Variant type: single nucleotide variant.
Coding change: c.3379+4A>C on transcript NM_001040108.2 (MANE Select); 4 bases into the intron after coding-DNA position 3379, A replaced by C.
Molecular consequence: intron variant.
Genome position (GRCh38, 1-based): chr14:75,042,375, T>G on the plus strand (A>C on the coding strand, the complement: MLH3 is on the minus strand). VCF-style: chr14-75042375-T-G. GRCh37 (hg19) VCF-style: chr14-75509078-T-G.
Other names: c.3379+4A>C (NM_014381.3).
Identifiers: ClinVar variation 941532 (VCV000941532.7), dbSNP rs1309915500, ClinGen allele CA1139663552.

ClinVar aggregate classification (germline): Uncertain significance (1 of 4 stars; one submission).

Conditions:
Colorectal cancer, hereditary nonpolyposis, type 7. Identifiers: Orphanet 144, MedGen C1858380, MONDO:0013725, OMIM 614385.

gnomAD v4.1: 2 of 1,613,380 alleles (0.00012%); highest among the groups gnomAD compares: Non-Finnish European, 0.00017%; no homozygotes.

Submission:

Labcorp Genetics (formerly Invitae), Labcorp
Classification: Uncertain significance for Colorectal cancer, hereditary nonpolyposis, type 7. Last evaluated: 2025-10-30. Review status: criteria provided, single submitter. Criteria: Invitae Variant Classification Sherloc (09022015). Collection method: clinical testing. Allele origin: germline.
Comment: This sequence change falls in intron 3 of the MLH3 gene. It does not directly change the encoded amino acid sequence of the MLH3 protein. It affects a nucleotide within the consensus splice site. This variant is not present in population databases (gnomAD no frequency). This variant has not been reported in the literature in individuals affected with MLH3-related conditions. ClinVar contains an entry for this variant (Variation ID: 941532). Variants that disrupt the consensus splice site are a relatively common cause of aberrant splicing (PMID: 17576681, 9536098). Algorithms developed to predict the effect of sequence changes on RNA splicing suggest that this variant may disrupt the consensus splice site. In summary, the available evidence is currently insufficient to determine the role of this variant in disease. Therefore, it has been classified as a Variant of Uncertain Significance.

Literature cited by the submitters: PubMed 17576681; PubMed 9536098.